The following is an entry in ClinVar:

NM_024529.5(CDC73):c.68A>G (p.Asp23Gly)

Gene: CDC73 (cell division cycle 73; plus strand). Cytogenetic location: 1q31.2.
Variant type: single nucleotide variant.
Coding change: c.68A>G on transcript NM_024529.5 (MANE Select); coding-DNA position 68, A replaced by G.
Protein change: p.Asp23Gly; replaces aspartic acid 23 with glycine.
Molecular consequence: missense variant.
Genome position (GRCh38, 1-based): chr1:193,122,268, A>G. VCF-style: chr1-193122268-A-G. GRCh37 (hg19) VCF-style: chr1-193091398-A-G.
Other names: short protein forms D23G.
Identifiers: ClinVar variation 3227882 (VCV003227882.1), dbSNP rs2527281251, ClinGen allele CA343972871.

ClinVar aggregate classification (germline): Uncertain significance (1 of 4 stars; one submission).

Conditions:
Hereditary cancer-predisposing syndrome. Also called: Neoplastic Syndromes, Hereditary; Tumor predisposition; Hereditary neoplastic syndrome; Hereditary Cancer Syndrome. Identifiers: Orphanet 140162, MedGen C0027672, MeSH D009386, MONDO:0015356.

Submission:

Ambry Genetics
Classification: Uncertain significance for Hereditary cancer-predisposing syndrome. Last evaluated: 2023-11-22. Review status: criteria provided, single submitter. Criteria: Ambry Variant Classification Scheme 2023. Collection method: clinical testing. Allele origin: germline.
Comment: The p.D23G variant (also known as c.68A>G), located in coding exon 1 of the CDC73 gene, results from an A to G substitution at nucleotide position 68. The aspartic acid at codon 23 is replaced by glycine, an amino acid with similar properties. This amino acid position is conserved. In addition, the in silico prediction for this alteration is inconclusive. Since supporting evidence is limited at this time, the clinical significance of this alteration remains unclear.